The following is an entry in ClinVar:

ClinVar aggregate classification (germline): Pathogenic (1 of 4 stars; one submission).

Conditions:
Deficiency of UDPglucose-hexose-1-phosphate uridylyltransferase. Also called: GALACTOSE-1-PHOSPHATE URIDYLYLTRANSFERASE DEFICIENCY; GALACTOSEMIA I; Transferase Deficiency Galactosemia; GALT deficiency; Galactosemia, classic. Identifiers: Orphanet 352, Orphanet 79239, MedGen C0268151, MONDO:0009258, OMIM 230400.

Submission:

Labcorp Genetics (formerly Invitae), Labcorp
Classification: Pathogenic for Deficiency of UDPglucose-hexose-1-phosphate uridylyltransferase. Last evaluated: 2020-01-06. Review status: criteria provided, single submitter. Criteria: Invitae Variant Classification Sherloc (09022015). Collection method: clinical testing. Allele origin: germline.
Comment: This variant is a gross deletion of the genomic region encompassing the majority of exons 1-11 of the GALT gene, though a small portion of exon 8 is retained. It is expected to result in an absent or disrupted protein product. This particular deletion has been reported in individuals affected with galactosemia (PMID: 17079880), and other deletions of the entire GALT sequence have also been reported in affected individuals (PMID: 15841485, 11286505). Loss-of-function variants in GALT are known to be pathogenic (PMID: 22944367). For these reasons, this variant has been classified as Pathogenic.

Literature cited by the submitters: PubMed 15841485; PubMed 11286505; PubMed 17079880.

NC_000009.12:g.(?_34646609)_(34650459_?)del

Genes: GALT (galactose-1-phosphate uridylyltransferase; plus strand), LOC130001683 (ATAC-STARR-seq lymphoblastoid active region 28314; plus strand). Cytogenetic location: 9p13.3.
Variant type: Deletion.
Identifiers: ClinVar variation 642055 (VCV000642055.2).